The following is an entry in ClinVar:

ClinVar aggregate classification (germline): Uncertain significance (1 of 4 stars; one submission).

Conditions:
Hereditary cancer-predisposing syndrome. Also called: Hereditary Cancer Syndrome; Hereditary neoplastic syndrome; Neoplastic Syndromes, Hereditary; Tumor predisposition. Identifiers: Orphanet 140162, MedGen C0027672, MeSH D009386, MONDO:0015356.

Submission:

Ambry Genetics
Classification: Uncertain significance for Hereditary cancer-predisposing syndrome. Last evaluated: 2021-04-26. Review status: criteria provided, single submitter. Criteria: Ambry Variant Classification Scheme 2023. Collection method: clinical testing. Allele origin: germline.
Comment: The p.E472D variant (also known as c.1416A>T), located in coding exon 9 of the BRIP1 gene, results from an A to T substitution at nucleotide position 1416. The glutamic acid at codon 472 is replaced by aspartic acid, an amino acid with highly similar properties. This amino acid position is highly conserved in available vertebrate species. In addition, this alteration is predicted to be tolerated by in silico analysis. Since supporting evidence is limited at this time, the clinical significance of this alteration remains unclear.

NM_032043.3(BRIP1):c.1416A>T (p.Glu472Asp)

Gene: BRIP1 (BRCA1 interacting DNA helicase 1; minus strand). Cytogenetic location: 17q23.2.
Variant type: single nucleotide variant.
Coding change: c.1416A>T on transcript NM_032043.3 (MANE Select); coding-DNA position 1416, A replaced by T.
Protein change: p.Glu472Asp; replaces glutamic acid 472 with aspartic acid.
Molecular consequence: missense variant.
Genome position (GRCh38, 1-based): chr17:61,793,654, T>A on the plus strand (A>T on the coding strand, the complement: BRIP1 is on the minus strand). VCF-style: chr17-61793654-T-A. GRCh37 (hg19) VCF-style: chr17-59871015-T-A.
Other names: short protein forms E472D.
Identifiers: ClinVar variation 1772128 (VCV001772128.2), dbSNP rs2145241626, ClinGen allele CA400482153.